The following is an entry in ClinVar:

ClinVar aggregate classification (germline): other (0 of 4 stars; one submission).

Conditions:
Familial colorectal cancer. Identifiers: MedGen CN280943, MONDO:0023113. Disease mechanism: loss of function.

Submission:

Systems Biology Platform Zhejiang California International NanoSystems Institute
Classification: other for Familial colorectal cancer. Review status: no assertion criteria provided. Collection method: not provided. Allele origin: unknown.
ClinVar note: Converted during submission from cancer to other.

NM_000038.6(APC):c.834+6505C>G

Gene: APC (APC regulator of WNT signaling pathway; plus strand). Cytogenetic location: 5q22.2.
Variant type: single nucleotide variant.
Coding change: c.834+6505C>G on transcript NM_000038.6 (MANE Select); 6505 bases into the intron after coding-DNA position 834, C replaced by G.
Molecular consequence: intron variant.
Genome position (GRCh38, 1-based): chr5:112,807,888, C>G. VCF-style: chr5-112807888-C-G. GRCh37 (hg19) VCF-style: chr5-112143585-C-G.
Other names: c.834+6505C>G (NM_001354895.2, NM_001127510.3, NM_001354896.2 and 1 more transcripts); c.864+6505C>G (NM_001354897.2, NM_001354902.2); c.780+6505C>G (NM_001127511.3); c.759+6505C>G (NM_001354898.2, NM_001354904.2); c.-201-2238C>G (NM_001354906.2); c.750+6505C>G (NM_001354899.2); c.657+6505C>G (NM_001354900.2, NM_001354901.2, NM_001354905.2).
Identifiers: ClinVar variation 82537 (VCV000082537.2), dbSNP rs79818818, ClinGen allele CA015018.